The following is an entry in ClinVar:

ClinVar aggregate classification (germline): Uncertain significance (1 of 4 stars; one submission).

Conditions:
Aortic valve disease 2 (AOVD2). Identifiers: MedGen C3542024, MONDO:0013902, OMIM 614823.
Radioulnar synostosis, nonsyndromic, susceptibility to. Identifiers: MedGen C5241445, MONDO:0100183, OMIM 179300.
Craniosynostosis 7 (CRS7). Also called: CRANIOSYNOSTOSIS 7, DIGENIC; CRS7, DIGENIC. Identifiers: MedGen C4479496, MONDO:0044315, OMIM 617439.

Allele frequency attached by ClinVar (database versions not stated): gnomAD 0.00001.

Submission:

Labcorp Genetics (formerly Invitae), Labcorp
Classification: Uncertain significance for Aortic valve disease 2. Last evaluated: 2023-09-19. Review status: criteria provided, single submitter. Criteria: Invitae Variant Classification Sherloc (09022015). Collection method: clinical testing. Allele origin: germline.
Comment: In summary, the available evidence is currently insufficient to determine the role of this variant in disease. Therefore, it has been classified as a Variant of Uncertain Significance. ClinVar contains an entry for this variant (Variation ID: 576250). This variant has not been reported in the literature in individuals affected with SMAD6-related conditions. This variant is present in population databases (no rsID available, gnomAD 0.001%). This sequence change creates a premature translational stop signal (p.Tyr459*) in the SMAD6 gene. While this is not anticipated to result in nonsense mediated decay, it is expected to disrupt the last 38 amino acid(s) of the SMAD6 protein.

NM_005585.5(SMAD6):c.1377C>G (p.Tyr459Ter)

Gene: SMAD6 (SMAD family member 6; plus strand). Cytogenetic location: 15q22.31.
Variant type: single nucleotide variant.
Coding change: c.1377C>G on transcript NM_005585.5 (MANE Select); coding-DNA position 1377, C replaced by G.
Protein change: p.Tyr459Ter; replaces tyrosine 459 with a stop codon.
Molecular consequence: nonsense. On other transcripts: non-coding transcript variant (1).
Genome position (GRCh38, 1-based): chr15:66,781,421, C>G. VCF-style: chr15-66781421-C-G. GRCh37 (hg19) VCF-style: chr15-67073759-C-G.
Other names: short protein forms Y459*.
Identifiers: ClinVar variation 576250 (VCV000576250.7), dbSNP rs1290060451, ClinGen allele CA393202407.